The following is an entry in ClinVar:

NM_001127198.5(TMC6):c.1555G>A (p.Ala519Thr)

Gene: TMC6 (transmembrane channel like 6; minus strand). Cytogenetic location: 17q25.3.
Variant type: single nucleotide variant.
Coding change: c.1555G>A on transcript NM_001127198.5 (MANE Select); coding-DNA position 1555, G replaced by A.
Protein change: p.Ala519Thr; replaces alanine 519 with threonine.
Molecular consequence: missense variant. On other transcripts: non-coding transcript variant (4), intron variant (2).
Genome position (GRCh38, 1-based): chr17:78,120,813, C>T on the plus strand (G>A on the coding strand, the complement: TMC6 is on the minus strand). VCF-style: chr17-78120813-C-T. GRCh37 (hg19) VCF-style: chr17-76116894-C-T.
Other names: c.1555G>A, p.Ala519Thr (NM_001321185.1, NM_001374596.1, NM_001375353.1 and 2 more transcripts); c.1535+200G>A (NM_001374594.1, NM_001374593.1); short protein forms A519T.
Identifiers: ClinVar variation 1375666 (VCV001375666.6), dbSNP rs1363866341, ClinGen allele CA401227435.

ClinVar aggregate classification (germline): Uncertain significance (1 of 4 stars; one submission).

Conditions:
Epidermodysplasia verruciformis. Identifiers: Orphanet 302, MedGen C0014522, MONDO:0009176.

Allele frequency attached by ClinVar (database versions not stated): gnomAD exomes below 0.00001; TOPMed below 0.00001.
gnomAD v4.1: 4 of 1,612,812 alleles (0.00025%); highest among the groups gnomAD compares: Middle Eastern, 0.016%; no homozygotes.

Submission:

Labcorp Genetics (formerly Invitae), Labcorp
Classification: Uncertain significance for Epidermodysplasia verruciformis. Last evaluated: 2022-08-09. Review status: criteria provided, single submitter. Criteria: Invitae Variant Classification Sherloc (09022015). Collection method: clinical testing. Allele origin: germline.
Comment: Algorithms developed to predict the effect of missense changes on protein structure and function are either unavailable or do not agree on the potential impact of this missense change (SIFT: "Not Available"; PolyPhen-2: "Benign"; Align-GVGD: "Not Available"). In summary, the available evidence is currently insufficient to determine the role of this variant in disease. Therefore, it has been classified as a Variant of Uncertain Significance. ClinVar contains an entry for this variant (Variation ID: 1375666). This variant has not been reported in the literature in individuals affected with TMC6-related conditions. This variant is present in population databases (no rsID available, gnomAD 0.002%). This sequence change replaces alanine with threonine at codon 519 of the TMC6 protein (p.Ala519Thr). The alanine residue is weakly conserved and there is a small physicochemical difference between alanine and threonine.